The following is an entry in ClinVar:

ClinVar aggregate classification (germline): Uncertain significance. Review status: criteria provided, multiple submitters, no conflicts (2 of 4 stars). 3 submissions from 3 submitters: Uncertain significance (3). Last evaluated 2025-11-04.

Conditions:
Inborn genetic diseases. Identifiers: MedGen C0950123, MeSH D030342.

Allele frequency attached by ClinVar (database versions not stated): TOPMed 0.00022; 1000 Genomes Project 30x 0.00016; 1000 Genomes Project 0.00020; ExAC 0.00014.
gnomAD v4.1: 85 of 1,438,738 alleles (0.0059%); highest among the groups gnomAD compares: African/African-American, 0.096%; no homozygotes.

Submissions (3):

GeneDx
Classification: Uncertain significance. Last evaluated: 2025-11-04. Review status: criteria provided, single submitter. Criteria: GeneDx Variant Classification Process June 2021. Collection method: clinical testing. Allele origin: germline. Affected: yes.
Comment: In silico analysis suggests that this missense variant does not alter protein structure/function; Has not been previously published as pathogenic or benign to our knowledge

Ambry Genetics
Classification: Uncertain significance for Inborn genetic diseases. Last evaluated: 2023-12-13. Review status: criteria provided, single submitter. Criteria: Ambry Variant Classification Scheme 2023. Collection method: clinical testing. Allele origin: germline.

Labcorp Genetics (formerly Invitae), Labcorp
Classification: Uncertain significance. Last evaluated: 2022-07-12. Review status: criteria provided, single submitter. Criteria: Invitae Variant Classification Sherloc (09022015). Collection method: clinical testing. Allele origin: germline.
Comment: This sequence change replaces proline, which is neutral and non-polar, with alanine, which is neutral and non-polar, at codon 7 of the RETREG1 protein (p.Pro7Ala). This variant is present in population databases (rs532140281, gnomAD 0.1%). This variant has not been reported in the literature in individuals affected with RETREG1-related conditions. ClinVar contains an entry for this variant (Variation ID: 470691). Algorithms developed to predict the effect of missense changes on protein structure and function output the following: SIFT: "Tolerated"; PolyPhen-2: "Not Available"; Align-GVGD: "Class C0". The alanine amino acid residue is found in multiple mammalian species, which suggests that this missense change does not adversely affect protein function. In summary, the available evidence is currently insufficient to determine the role of this variant in disease. Therefore, it has been classified as a Variant of Uncertain Significance.

NM_001034850.3(RETREG1):c.19C>G (p.Pro7Ala)

Genes: RETREG1 (reticulophagy regulator 1; minus strand), RETREG1-AS1 (RETREG1 antisense RNA 1; plus strand), LOC129993734 (ATAC-STARR-seq lymphoblastoid silent region 15947; plus strand). Cytogenetic location: 5p15.1.
Variant type: single nucleotide variant.
Coding change: c.19C>G on transcript NM_001034850.3 (MANE Select); coding-DNA position 19, C replaced by G.
Protein change: p.Pro7Ala; replaces proline 7 with alanine.
Molecular consequence: missense variant.
Genome position (GRCh38, 1-based): chr5:16,616,953, G>C on the plus strand (C>G on the coding strand, the complement: RETREG1 is on the minus strand). VCF-style: chr5-16616953-G-C. GRCh37 (hg19) VCF-style: chr5-16617062-G-C.
Other names: short protein forms P7A.
Identifiers: ClinVar variation 470691 (VCV000470691.13), dbSNP rs532140281, ClinGen allele CA3210550.